The following is an entry in ClinVar:

ClinVar aggregate classification (germline): Uncertain significance. Review status: criteria provided, multiple submitters, no conflicts (2 of 4 stars). 2 submissions from 2 submitters: Uncertain significance (2). Last evaluated 2025-02-11.

Conditions:
Kleefstra syndrome 1 (KLEFS1). Identifiers: Orphanet 261494, MedGen C0795833, MONDO:0027407, OMIM 610253.
Inborn genetic diseases. Identifiers: MedGen C0950123, MeSH D030342.

Allele frequency attached by ClinVar (database versions not stated): TOPMed 0.00001.
gnomAD v4.1: 6 of 1,613,988 alleles (0.00037%); highest among the groups gnomAD compares: East Asian, 0.0022%; no homozygotes.

Submissions (2):

Labcorp Genetics (formerly Invitae), Labcorp
Classification: Uncertain significance for Kleefstra syndrome 1. Last evaluated: 2025-02-11. Review status: criteria provided, single submitter. Criteria: Invitae Variant Classification Sherloc (09022015). Collection method: clinical testing. Allele origin: germline.
Comment: This sequence change replaces serine, which is neutral and polar, with leucine, which is neutral and non-polar, at codon 418 of the EHMT1 protein (p.Ser418Leu). This variant is not present in population databases (gnomAD no frequency). This missense change has been observed in individual(s) with clinical features of Kleefstra sydrome (PMID: 28512736). ClinVar contains an entry for this variant (Variation ID: 2907394). Invitae Evidence Modeling of protein sequence and biophysical properties (such as structural, functional, and spatial information, amino acid conservation, physicochemical variation, residue mobility, and thermodynamic stability) indicates that this missense variant is not expected to disrupt EHMT1 protein function with a negative predictive value of 80%. In summary, the available evidence is currently insufficient to determine the role of this variant in disease. Therefore, it has been classified as a Variant of Uncertain Significance.

Ambry Genetics
Classification: Uncertain significance for Inborn genetic diseases. Last evaluated: 2024-05-03. Review status: criteria provided, single submitter. Criteria: Ambry Variant Classification Scheme 2023. Collection method: clinical testing. Allele origin: germline.

Literature cited by the submitters: PubMed 28512736 (cited by Labcorp Genetics (formerly Invitae), Labcorp and Ambry Genetics); PubMed 31322791 (cited by Ambry Genetics).

NM_024757.5(EHMT1):c.1253C>T (p.Ser418Leu)

Gene: EHMT1 (euchromatic histone lysine methyltransferase 1; plus strand). Cytogenetic location: 9q34.3.
Variant type: single nucleotide variant.
Coding change: c.1253C>T on transcript NM_024757.5 (MANE Select); coding-DNA position 1253, C replaced by T.
Protein change: p.Ser418Leu; replaces serine 418 with leucine.
Molecular consequence: missense variant.
Genome position (GRCh38, 1-based): chr9:137,754,175, C>T. VCF-style: chr9-137754175-C-T. GRCh37 (hg19) VCF-style: chr9-140648627-C-T.
Other names: c.1253C>T (NM_024757.4); c.1253C>T, p.Ser418Leu (NM_001145527.2, NM_001354611.2); c.1160C>T, p.Ser387Leu (NM_001354259.2, NM_001354612.2); c.1232C>T, p.Ser411Leu (NM_001354263.2); short protein forms S387L, S411L, S418L.
Identifiers: ClinVar variation 2907394 (VCV002907394.4), dbSNP rs1040888971, ClinGen allele CA201785662.